The following is an entry in ClinVar:

NM_000334.4(SCN4A):c.3788C>T (p.Pro1263Leu)

Genes: SCN4A (sodium voltage-gated channel alpha subunit 4; minus strand), GH-LCR (growth hormone locus control region; plus strand). Cytogenetic location: 17q23.3.
Variant type: single nucleotide variant.
Coding change: c.3788C>T on transcript NM_000334.4 (MANE Select); coding-DNA position 3788, C replaced by T.
Protein change: p.Pro1263Leu; replaces proline 1263 with leucine.
Molecular consequence: missense variant.
Genome position (GRCh38, 1-based): chr17:63,944,797, G>A on the plus strand (C>T on the coding strand, the complement: SCN4A is on the minus strand). VCF-style: chr17-63944797-G-A. GRCh37 (hg19) VCF-style: chr17-62022157-G-A.
Other names: short protein forms P1263L.
Identifiers: ClinVar variation 1443415 (VCV001443415.6), dbSNP rs767272792, ClinGen allele CA8709136.

ClinVar aggregate classification (germline): Uncertain significance (1 of 4 stars; one submission).

Conditions:
Hyperkalemic periodic paralysis. Also called: Familial hyperkalemic periodic paralysis; Gamstorp disease. Identifiers: Orphanet 682, MedGen C0238357, MONDO:0008224, OMIM 170500, HP:0007215.

Allele frequency attached by ClinVar (database versions not stated): gnomAD exomes below 0.00001; ExAC 0.00001.
gnomAD v4.1: 5 of 1,613,778 alleles (0.00031%); highest among the groups gnomAD compares: African/African-American, 0.0013%; no homozygotes.

Submission:

Labcorp Genetics (formerly Invitae), Labcorp
Classification: Uncertain significance for Hyperkalemic periodic paralysis. Last evaluated: 2024-07-17. Review status: criteria provided, single submitter. Criteria: Invitae Variant Classification Sherloc (09022015). Collection method: clinical testing. Allele origin: germline.
Comment: This sequence change replaces proline, which is neutral and non-polar, with leucine, which is neutral and non-polar, at codon 1263 of the SCN4A protein (p.Pro1263Leu). The frequency data for this variant in the population databases is considered unreliable, as metrics indicate poor data quality at this position in the gnomAD database. This variant has not been reported in the literature in individuals affected with SCN4A-related conditions. ClinVar contains an entry for this variant (Variation ID: 1443415). Advanced modeling of protein sequence and biophysical properties (such as structural, functional, and spatial information, amino acid conservation, physicochemical variation, residue mobility, and thermodynamic stability) performed at Invitae indicates that this missense variant is expected to disrupt SCN4A protein function with a positive predictive value of 95%. In summary, the available evidence is currently insufficient to determine the role of this variant in disease. Therefore, it has been classified as a Variant of Uncertain Significance.